The following is an entry in ClinVar:

NM_006312.6(NCOR2):c.2373G>A (p.Pro791=)

Gene: NCOR2 (nuclear receptor corepressor 2; minus strand). Cytogenetic location: 12q24.31.
Variant type: single nucleotide variant.
Coding change: c.2373G>A on transcript NM_006312.6 (MANE Select); coding-DNA position 2373, G replaced by A.
Protein change: p.Pro791=; no amino-acid change (proline 791 retained).
Molecular consequence: synonymous variant.
Genome position (GRCh38, 1-based): chr12:124,372,456, C>T on the plus strand (G>A on the coding strand, the complement: NCOR2 is on the minus strand). VCF-style: chr12-124372456-C-T. GRCh37 (hg19) VCF-style: chr12-124857002-C-T.
Other names: c.2319G>A, p.Pro773= (NM_001077261.4, NM_001206654.2).
Identifiers: ClinVar variation 2643561 (VCV002643561.24), dbSNP rs367877965, ClinGen allele CA6869077.

ClinVar aggregate classification (germline): Likely benign (1 of 4 stars; one submission).

Allele frequency attached by ClinVar (database versions not stated): ExAC 0.00015; ESP Exome Variant Server 0.00026; gnomAD exomes 0.00034; gnomAD 0.00049.
gnomAD v4.1: 276 of 783,040 alleles (0.035%); highest among the groups gnomAD compares: Admixed American, 0.044%; 2 homozygotes.

Submission:

CeGaT Center for Human Genetics Tuebingen
Classification: Likely benign. Last evaluated: 2022-11-01. Review status: criteria provided, single submitter. Criteria: CeGaT Center For Human Genetics Tuebingen Variant Classification Criteria Version 2. Collection method: clinical testing. Allele origin: germline. Affected: yes. Observed: 1 variant allele.
Comment: NCOR2: BP4, BP7